The following is an entry in ClinVar:

NM_001184880.2(PCDH19):c.2522G>T (p.Arg841Leu)

Genes: PCDH19 (protocadherin 19; minus strand), LOC125467768 (CDK7 strongly-dependent group 2 enhancer GRCh37_chrX:99657381-99658580; plus strand). Cytogenetic location: Xq22.1.
Variant type: single nucleotide variant.
Coding change: c.2522G>T on transcript NM_001184880.2 (MANE Select); coding-DNA position 2522, G replaced by T.
Protein change: p.Arg841Leu; replaces arginine 841 with leucine.
Molecular consequence: missense variant.
Genome position (GRCh38, 1-based): chrX:100,402,618, C>A on the plus strand (G>T on the coding strand, the complement: PCDH19 is on the minus strand). VCF-style: chrX-100402618-C-A. GRCh37 (hg19) VCF-style: chrX-99657616-C-A.
Other names: c.2381G>T, p.Arg794Leu (NM_001105243.2, NM_020766.3); short protein forms R841L, R794L.
Identifiers: ClinVar variation 950374 (VCV000950374.7), dbSNP rs756818874, ClinGen allele CA414005581.

ClinVar aggregate classification (germline): Uncertain significance (1 of 4 stars; one submission).

Conditions:
Developmental and epileptic encephalopathy, 9 (DEE9). Also called: Early infantile epileptic encephalopathy 9; EPILEPSY, FEMALE-RESTRICTED, WITH MENTAL RETARDATION; JUBERG-HELLMAN SYNDROME; PCDH19-Related X-Linked Female-Limited Epilepsy with Mental Retardation. Identifiers: Orphanet 101039, Orphanet 2076, MedGen C1848137, MONDO:0010246, OMIM 300088. Disease mechanism: loss of function.

Submission:

Labcorp Genetics (formerly Invitae), Labcorp
Classification: Uncertain significance for Developmental and epileptic encephalopathy, 9. Last evaluated: 2024-05-16. Review status: criteria provided, single submitter. Criteria: Invitae Variant Classification Sherloc (09022015). Collection method: clinical testing. Allele origin: germline.
Comment: This sequence change replaces arginine, which is basic and polar, with leucine, which is neutral and non-polar, at codon 841 of the PCDH19 protein (p.Arg841Leu). This variant is not present in population databases (gnomAD no frequency). This variant has not been reported in the literature in individuals affected with PCDH19-related conditions. ClinVar contains an entry for this variant (Variation ID: 950374). Advanced modeling of protein sequence and biophysical properties (such as structural, functional, and spatial information, amino acid conservation, physicochemical variation, residue mobility, and thermodynamic stability) performed at Invitae indicates that this missense variant is not expected to disrupt PCDH19 protein function with a negative predictive value of 95%. In summary, the available evidence is currently insufficient to determine the role of this variant in disease. Therefore, it has been classified as a Variant of Uncertain Significance.